The following is an entry in ClinVar:

NM_000371.4(TTR):c.*21C>A

Gene: TTR (transthyretin; plus strand). Cytogenetic location: 18q12.1.
Variant type: single nucleotide variant.
Coding change: c.*21C>A on transcript NM_000371.4 (MANE Select); 21 bases downstream of the stop codon, C replaced by A.
Molecular consequence: 3 prime UTR variant.
Genome position (GRCh38, 1-based): chr18:31,598,696, C>A. VCF-style: chr18-31598696-C-A. GRCh37 (hg19) VCF-style: chr18-29178659-C-A.
Identifiers: ClinVar variation 326564 (VCV000326564.15), dbSNP rs12226, ClinGen allele CA8928517.

ClinVar aggregate classification (germline): Benign. Review status: criteria provided, multiple submitters, no conflicts (2 of 4 stars). 4 submissions from 4 submitters: Benign (4). Last evaluated 2020-03-16.

Conditions:
Amyloidosis, hereditary systemic 1 (AMYLD1). Also called: Hereditary Transthyretin Amyloidosis; AMYLOID CARDIOMYOPATHY; Isolated Cardiac Amyloidosis; Amyloid Cardiomyopathy, Transthyretin-related; Familial amyloid polyneuropathy; Transthyretin Amyloidosis. Identifiers: Orphanet 85447, Orphanet 85451, MedGen C2751492, MONDO:0971004, OMIM 105210.

Allele frequency attached by ClinVar (database versions not stated): gnomAD exomes 0.00521; ExAC 0.00639; gnomAD 0.01998 and 0.02158; 1000 Genomes Project 0.02017; 1000 Genomes Project 30x 0.02217; TOPMed 0.02267; ESP Exome Variant Server 0.02376.
gnomAD v4.1: 5,942 of 1,607,618 alleles (0.37%); highest among the groups gnomAD compares: African/African-American, 7.2%; 203 homozygotes.

Submissions (4):

ARUP Laboratories, Molecular Genetics and Genomics, ARUP Laboratories
Classification: Benign. Last evaluated: 2020-03-16. Review status: criteria provided, single submitter. Criteria: ARUP Molecular Germline Variant Investigation Process. Collection method: clinical testing. Allele origin: germline.

Illumina Laboratory Services, Illumina
Classification: Benign for Amyloidosis, hereditary systemic 1. Last evaluated: 2018-01-12. Review status: criteria provided, single submitter. Criteria: ICSL Variant Classification Criteria 13 December 2019. Collection method: clinical testing. Allele origin: germline.
Comment: This variant was observed in the ICSL laboratory as part of a predisposition screen in an ostensibly healthy population. It had not been previously curated by ICSL or reported in the Human Gene Mutation Database (HGMD: prior to June 1st, 2018), and was therefore a candidate for classification through an automated scoring system. Utilizing variant allele frequency, disease prevalence and penetrance estimates, and inheritance mode, an automated score was calculated to assess if this variant is too frequent to cause the disease. Based on the score and internal cut-off values, a variant classified as benign is not then subjected to further curation. The score for this variant resulted in a classification of benign for this disease.

GeneDx
Classification: Benign. Last evaluated: 2015-03-03. Review status: criteria provided, single submitter. Criteria: GeneDx Variant Classification Process June 2021. Collection method: clinical testing. Allele origin: germline. Affected: yes.

Breakthrough Genomics
Classification: Benign. Review status: criteria provided, single submitter. Criteria: ACMG Guidelines, 2015. Collection method: not provided. Allele origin: germline. Inheritance: Autosomal dominant inheritance. Affected: yes.